The following continues an entry in ClinVar:

NM_000128.4(F11):c.403G>T (p.Glu135Ter)

Gene: F11. ClinVar aggregate classification (germline): Pathogenic. Pathogenic (30).

Submissions 13 to 26 of 35:

3billion
Classification: Pathogenic for Hereditary factor XI deficiency disease. Last evaluated: 2024-11-06. Review status: criteria provided, single submitter. Criteria: ACMG Guidelines, 2015. Collection method: clinical testing. Allele origin: germline. Affected: yes.
Comment: The variant is observed at an extremely low frequency in the gnomAD v4.1.0 dataset (total allele frequency: 0.052%). Predicted Consequence/Location: Stop-gained (nonsense): predicted to result in a loss or disruption of normal protein function through nonsense-mediated decay (NMD) or protein truncation. Multiple pathogenic variants are reported downstream of the variant. The variant has been reported at least twice as pathogenic with clinical assertions and evidence for the classification (ClinVar ID: VCV000011891 /PMID: 2813350 /3billion dataset). Therefore, this variant is classified as Pathogenic according to the recommendation of ACMG/AMP guideline.

Blueprint Genetics
Classification: Pathogenic for F11-related disorders. Last evaluated: 2024-09-30. Review status: criteria provided, single submitter. Criteria: ACMG Guidelines, 2015. Collection method: clinical testing. Allele origin: germline. Affected: yes. Observed: 5 variant alleles.

Mayo Clinic Laboratories, Mayo Clinic
Classification: Pathogenic. Last evaluated: 2024-05-15. Review status: criteria provided, single submitter. Criteria: ACMG Guidelines, 2015. Collection method: clinical testing. Allele origin: germline. Observed: 13 variant alleles.
Comment: PM3, PS4_moderate, PVS1

Ambry Genetics
Classification: Pathogenic for Inborn genetic diseases. Last evaluated: 2024-05-06. Review status: criteria provided, single submitter. Criteria: Ambry Variant Classification Scheme 2023. Collection method: clinical testing. Allele origin: germline.
Comment: The c.403G>T (p.E135*) alteration, located in exon 5 (coding exon 4) of the F11 gene, consists of a G to T substitution at nucleotide position 403. This changes the amino acid from a glutamic acid (E) to a stop codon at amino acid position 135. This alteration is expected to result in loss of function by premature protein truncation or nonsense-mediated mRNA decay. Based on data from gnomAD, the T allele has an overall frequency of 0.086% (244/282694) total alleles studied. The highest observed frequency was 1.708% (177/10364) of Ashkenazi Jewish alleles. This alteration, previously reported as p.E117* in the literature, is common in Ashkenazi Jewish patients with factor XI deficiency, accounting for approximately 49% of disease alleles (Asakai, 1991). Additionally, this variant has been reported as heterozygous and homozygous in individuals with a personal and/or family history of a factor XI deficiency, as well as in asymptomatic individuals (Bolton-Maggs, 2004; Mitchell, 2006; Kawankar, 2016; Tiscia, 2017). Based on the available evidence, this alteration is classified as pathogenic.

Genomic Medicine Center of Excellence, King Faisal Specialist Hospital and Research Centre
Classification: Pathogenic for Hereditary factor XI deficiency disease. Last evaluated: 2024-03-29. Review status: criteria provided, single submitter. Criteria: ACMG Guidelines, 2015. Collection method: clinical testing. Allele origin: germline.

Department of Pathology and Laboratory Medicine, Sinai Health System
Classification: Pathogenic for Hereditary factor XI deficiency disease. Last evaluated: 2023-09-28. Review status: criteria provided, single submitter. Criteria: ACMG Guidelines, 2015. Collection method: research. Allele origin: germline.

CeGaT Center for Human Genetics Tuebingen
Classification: Pathogenic. Last evaluated: 2023-09-01. Review status: criteria provided, single submitter. Criteria: CeGaT Center For Human Genetics Tuebingen Variant Classification Criteria Version 2. Collection method: clinical testing. Allele origin: germline. Affected: yes. Observed: 6 variant alleles.
Comment: F11: PVS1, PM2, PM3, PS4:Supporting

Pittsburgh Clinical Genomics Laboratory, University of Pittsburgh Medical Center
Classification: Pathogenic for Hereditary factor XI deficiency disease. Last evaluated: 2022-09-12. Review status: criteria provided, single submitter. Criteria: ACMG Guidelines, 2015. Collection method: clinical testing. Allele origin: germline. Inheritance: Autosomal unknown. Affected: yes.
Comment: This sequence variant is a single nucleotide substitution (G>T) at coding position 403 of the F11 gene that results in the generation of an early termition codon at residue 135 of the F11 protein and has also been referred to as E117X in the published literature. This variant is predicted to generate a non-functiol allele through either the expression of a truncated protein or a loss of F11 expression due to nonsense mediated decay. This is a previously reported (ClinVar), well-known founder variant in the Ashkezi Jewish population (PMID: 23332144) that has been observed in the literature in many individuals with factor 11 deficiency (PMID: 16835901, 29178608, 29138690, 32935436). This variant is present in the gnomAD control population database (244 of 282694 alleles or 0.08%). Functiol studies have confirmed that this variant results in a loss of F11 protein expression (PMID: 15026311). Given the evidence, we consider this variant to be pathogenic. ACMG Criteria: PP5, PS3, PS4, PVS1

Victorian Clinical Genetics Services, Murdoch Childrens Research Institute
Classification: Pathogenic for Hereditary factor XI deficiency disease. Last evaluated: 2022-09-02. Review status: criteria provided, single submitter. Criteria: ACMG Guidelines, 2015. Collection method: clinical testing. Allele origin: germline. Affected: yes.
Comment: Based on the classification scheme VCGS_Germline_v1.3.4, this variant is classified as Pathogenic. Following criteria are met: 0103 - Dominant negative and loss of function are known mechanisms of disease in this gene and are associated with factor XI deficiency. Dominant negative missense tend to have dominant inheritance patterns (PMID:15026311), while loss of function variants are generally recessive, though symptomatic carriers have been reported (OMIM). (I) 0108 - This gene is associated with both recessive and dominant disease. Recessive cases are more severe than heterozygous carriers, who may be asymptomatic despite having FXI deficiency (PMID:18446632). (I) 0115 - Variants in this gene are known to have variable expressivity. There is a high degree of variable expression, where intrafamilial variation has been reported (PMID: 32118380). (I) 0201 - Variant is predicted to cause nonsense-mediated decay (NMD) and loss of protein (premature termination codon is located at least 54 nucleotides upstream of the final exon-exon junction). (SP) 0251 - This variant is heterozygous. (I) 0305 - Variant is present in gnomAD (v2) >=0.01 and <0.03 (238 heterozygotes, 3 homozygotes). (I) 0701 - Other NMD-predicted variants comparable to the one identified in this case have very strong previous evidence for pathogenicity. More than 10 other NMD-predicted variants have previously been reported as pathogenic in patients with factor XI deficiency (ClinVar). (SP) 0801 - This variant has strong previous evidence of pathogenicity in unrelated individuals. The variant has previously been reported as pathogenic in multiple patients with factor XI deficiency, and is considered to be a founder variant in the Ashkenazi Jewish population. Homozygous and compound heterozygous patients have severe disease, whilst heterozygous carriers have partial FX1 deficiency (ClinVar, PMID: 29178608). (I) Legend: (SP) - Supporting pathogenic, (I) - Information, (SB) - Supporting benign

Johns Hopkins Genomics, Johns Hopkins University
Classification: Pathogenic for Hereditary factor XI deficiency disease. Last evaluated: 2022-08-04. Review status: criteria provided, single submitter. Criteria: ACMG Guidelines, 2015. Collection method: clinical testing. Allele origin: germline.

Mendelics
Classification: Pathogenic for Hereditary factor XI deficiency disease. Last evaluated: 2022-05-04. Review status: criteria provided, single submitter. Criteria: Mendelics Assertion Criteria 2019. Collection method: clinical testing. Allele origin: germline.

Fulgent Genetics
Classification: Pathogenic for Hereditary factor XI deficiency disease. Last evaluated: 2022-04-11. Review status: criteria provided, single submitter. Criteria: ACMG Guidelines, 2015. Collection method: clinical testing. Allele origin: unknown.

Laboratory for Molecular Medicine, Mass General Brigham Personalized Medicine
Classification: Pathogenic for Hereditary factor XI deficiency disease. Last evaluated: 2020-03-31. Review status: criteria provided, single submitter. Criteria: LMM Criteria. Collection method: clinical testing. Allele origin: germline. Inheritance: Autosomal recessive inheritance. Observed: 1 variant allele.
Comment: The p.Glu135X (also known as p.Glu117X) variant in F11 has been reported in in the homozygous or compound heterozygous state in >40 individuals with factor XI deficiency and is a founder mutation in the Ashkenazi Jewish population (Asakai 1991, Bolton-Maggs 2004, Mitchell 2006). This variant has also been reported in ClinVar (Variation ID 11891) and has been identified in 1.7% (177/10364) of Ashkenazi Jewish chromosomes by gnomAD, including 3 homozygotes. However, this frequency is consistent with a recessive carrier frequency for a known founder variant. Functional studies support an impact on protein function (Asakai 1991). This nonsense variant leads to a premature termination codon at position 135, which is predicted to lead to a truncated or absent protein. Loss of function of the F11 gene is an established disease mechanism in autosomal recessive factor XI deficiency. In summary, this variant meets criteria to be classified as pathogenic for autosomal recessive factor XI deficiency. ACMG/AMP criteria applied: PVS1, PM3_VeryStrong, PP1, PS3_Supporting.

NIHR Bioresource Rare Diseases, University of Cambridge
Classification: Pathogenic for Hereditary factor XI deficiency disease. Last evaluated: 2019-02-01. Review status: criteria provided, single submitter. Criteria: ACMG Guidelines, 2015. Collection method: research. Allele origin: unknown. Affected: yes. Observed: 4 heterozygotes, 4 homozygotes. Study: ThromboGenomics.